The following is an entry in ClinVar:

ClinVar aggregate classification (germline): Likely benign. Review status: criteria provided, multiple submitters, no conflicts (2 of 4 stars). 5 submissions from 5 submitters: Likely benign (5). Last evaluated 2025-12-24.

Conditions:
Currarino triad. Identifiers: Orphanet 1552, MedGen C1531773, MONDO:0008305, OMIM 176450.

Allele frequency attached by ClinVar (database versions not stated): gnomAD exomes 0.00239; gnomAD 0.00325 and 0.00358.

Submissions (5):

Labcorp Genetics (formerly Invitae), Labcorp
Classification: Likely benign. Last evaluated: 2025-12-24. Review status: criteria provided, single submitter. Criteria: Invitae Variant Classification Sherloc (09022015). Collection method: clinical testing. Allele origin: germline.

CeGaT Center for Human Genetics Tuebingen
Classification: Likely benign. Last evaluated: 2025-02-01. Review status: criteria provided, single submitter. Criteria: CeGaT Center For Human Genetics Tuebingen Variant Classification Criteria Version 2. Collection method: clinical testing. Allele origin: germline. Affected: yes. Observed: 1 variant allele.
Comment: MNX1: BP4, BP7, BS2

Blueprint Genetics
Classification: Likely benign. Last evaluated: 2024-11-27. Review status: criteria provided, single submitter. Criteria: ACMG Guidelines, 2015. Collection method: clinical testing. Allele origin: germline.

Fulgent Genetics
Classification: Likely benign for Currarino triad. Last evaluated: 2021-08-02. Review status: criteria provided, single submitter. Criteria: ACMG Guidelines, 2015. Collection method: clinical testing. Allele origin: unknown.

Breakthrough Genomics
Classification: Likely benign. Review status: criteria provided, single submitter. Criteria: ACMG Guidelines, 2015. Collection method: not provided. Allele origin: germline. Inheritance: Autosomal dominant inheritance. Affected: yes.

NM_005515.4(MNX1):c.372T>C (p.Ala124=)

Gene: MNX1 (motor neuron and pancreas homeobox 1; minus strand). Cytogenetic location: 7q36.3.
Variant type: single nucleotide variant.
Coding change: c.372T>C on transcript NM_005515.4 (MANE Select); coding-DNA position 372, T replaced by C.
Protein change: p.Ala124=; no amino-acid change (alanine 124 retained).
Molecular consequence: synonymous variant.
Genome position (GRCh38, 1-based): chr7:157,009,979, A>G on the plus strand (T>C on the coding strand, the complement: MNX1 is on the minus strand). VCF-style: chr7-157009979-A-G. GRCh37 (hg19) VCF-style: chr7-156802673-A-G.
Identifiers: ClinVar variation 1651538 (VCV001651538.24), dbSNP rs867470183, ClinGen allele CA169870897.
Genomic context (GRCh38, chr7:157,009,979, plus strand): 5'-CCCAGGGTGCAGCCCCAGCGCCAGGCCCCCAGCGGCGGCGGCGGCGGCGGCGGCGGCGGC[A>G]GCGGCCGCTGCGCCCGGATGCGCGTGGTGGTGGGGCCCCCCGTGCCCGCCGCCCGTGCCG-3'
Protein context (NP_005506.3, residues 114-134): HHHAHPGAAA[Ala124=]AAAAAAAAAA